The following is an entry in ClinVar:

ClinVar aggregate classification (germline): Uncertain significance (1 of 4 stars; one submission).

Conditions:
Autosomal recessive limb-girdle muscular dystrophy type 2Y (MRRSDC). Also called: Muscular dystrophy, autosomal recessive, with rigid spine and distal joint contractures; Muscular dystrophy, limb-girdle, type 2y. Identifiers: Orphanet 424261, MedGen C4511482, MONDO:0014900, OMIM 617072.

Allele frequency attached by ClinVar (database versions not stated): gnomAD exomes below 0.00001; TOPMed below 0.00001; ExAC 0.00001.
gnomAD v4.1: 1 of 1,590,868 alleles (0.000063%); highest among the groups gnomAD compares: Non-Finnish European, 0.000086%; no homozygotes.

Submission:

Labcorp Genetics (formerly Invitae), Labcorp
Classification: Uncertain significance for Autosomal recessive limb-girdle muscular dystrophy type 2Y. Last evaluated: 2022-07-05. Review status: criteria provided, single submitter. Criteria: Invitae Variant Classification Sherloc (09022015). Collection method: clinical testing. Allele origin: germline.
Comment: This variant is present in population databases (rs770204192, gnomAD 0.001%). This sequence change replaces arginine, which is basic and polar, with glutamine, which is neutral and polar, at codon 55 of the TOR1AIP1 protein (p.Arg55Gln). This variant has not been reported in the literature in individuals affected with TOR1AIP1-related conditions. In summary, the available evidence is currently insufficient to determine the role of this variant in disease. Therefore, it has been classified as a Variant of Uncertain Significance. Algorithms developed to predict the effect of missense changes on protein structure and function are either unavailable or do not agree on the potential impact of this missense change (SIFT: "Deleterious"; PolyPhen-2: "Probably Damaging"; Align-GVGD: "Class C0"). ClinVar contains an entry for this variant (Variation ID: 1014172).

NM_015602.4(TOR1AIP1):c.164G>A (p.Arg55Gln)

Genes: TOR1AIP1 (torsin 1A interacting protein 1; plus strand), LOC112577517 (Sharpr-MPRA regulatory region 13766; plus strand). Cytogenetic location: 1q25.2.
Variant type: single nucleotide variant.
Coding change: c.164G>A on transcript NM_015602.4 (MANE Select); coding-DNA position 164, G replaced by A.
Protein change: p.Arg55Gln; replaces arginine 55 with glutamine.
Molecular consequence: missense variant.
Genome position (GRCh38, 1-based): chr1:179,882,666, G>A. VCF-style: chr1-179882666-G-A. GRCh37 (hg19) VCF-style: chr1-179851801-G-A.
Other names: c.164G>A, p.Arg55Gln (NM_001267578.2); short protein forms R55Q.
Identifiers: ClinVar variation 1014172 (VCV001014172.5), dbSNP rs770204192, ClinGen allele CA1268675.
Genomic context (GRCh38, chr1:179,882,666, plus strand): 5'-AAAATGGCGGCAGCAGCGATGCGCCTGCGTACAGAACTCCTCCGTCGCGCCAGGGCCGGC[G>A]GGAAGTGAGGTTCTCGGACGAGCCGCCAGAAGTGTACGGCGACTTCGAGCCCCTGGTGGC-3'
Protein context (NP_056417.2, residues 45-65): YRTPPSRQGR[Arg55Gln]EVRFSDEPPE